The following is an entry in ClinVar:

NM_000362.5(TIMP3):c.446C>G (p.Ser149Cys)

Genes: SYN3 (synapsin III; minus strand), TIMP3 (TIMP metallopeptidase inhibitor 3; plus strand). Cytogenetic location: 22q12.3.
Variant type: single nucleotide variant.
Coding change: c.446C>G on transcript NM_000362.5 (MANE Select); coding-DNA position 446, C replaced by G.
Protein change: p.Ser149Cys; replaces serine 149 with cysteine.
Molecular consequence: missense variant. On other transcripts: intron variant (7).
Genome position (GRCh38, 1-based): chr22:32,859,187, C>G. VCF-style: chr22-32859187-C-G. GRCh37 (hg19) VCF-style: chr22-33255174-C-G.
Other names: c.708+5728G>C (NM_001369909.1, NM_001135774.2, NM_001369910.1); c.711+5728G>C (NM_001369907.1, NM_003490.4, NM_001369908.1 and 1 more transcripts); short protein forms S149C.
Identifiers: ClinVar variation 1006006 (VCV001006006.9), dbSNP rs2048464408, ClinGen allele CA411540135.

ClinVar aggregate classification (germline): Conflicting classifications of pathogenicity. Review status: criteria provided, conflicting classifications (1 of 4 stars). 2 submissions from 2 submitters: Likely pathogenic (1); Uncertain significance (1). Last evaluated 2025-11-24.

Conditions:
TIMP3-related disorder. Also called: TIMP3-related condition.

Submissions (2):

Labcorp Genetics (formerly Invitae), Labcorp
Classification: Uncertain significance. Last evaluated: 2025-11-24. Review status: criteria provided, single submitter. Criteria: Invitae Variant Classification Sherloc (09022015). Collection method: clinical testing. Allele origin: germline.
Comment: This sequence change replaces serine, which is neutral and polar, with cysteine, which is neutral and slightly polar, at codon 149 of the TIMP3 protein (p.Ser149Cys). This variant is not present in population databases (gnomAD no frequency). This variant has not been reported in the literature in individuals affected with TIMP3-related conditions. ClinVar contains an entry for this variant (Variation ID: 1006006). An algorithm developed to predict the effect of missense changes on protein structure and function (PolyPhen-2) suggests that this variant is likely to be disruptive. In summary, the available evidence is currently insufficient to determine the role of this variant in disease. Therefore, it has been classified as a Variant of Uncertain Significance.

Blueprint Genetics
Classification: Likely pathogenic for TIMP3-related disorders. Last evaluated: 2020-02-20. Review status: criteria provided, single submitter. Criteria: ACMG Guidelines, 2015. Collection method: clinical testing. Allele origin: germline. Affected: yes. Observed: 5 variant alleles.